The following is an entry in ClinVar:

NM_001032283.3(TMPO):c.565+748T>C

Gene: TMPO (thymopoietin; plus strand). Cytogenetic location: 12q23.1.
Variant type: single nucleotide variant.
Coding change: c.565+748T>C on transcript NM_001032283.3 (MANE Select); 748 bases into the intron after coding-DNA position 565, T replaced by C.
Molecular consequence: intron variant.
Genome position (GRCh38, 1-based): chr12:98,532,586, T>C. VCF-style: chr12-98532586-T-C. GRCh37 (hg19) VCF-style: chr12-98926364-T-C.
Other names: c.566-237T>C (NM_003276.2); c.565+748T>C (NM_001307975.2, NM_001032284.3).
Identifiers: ClinVar variation 678629 (VCV000678629.1), dbSNP rs73384409, ClinGen allele CA15746390.
Genomic context (GRCh38, chr12:98,532,586, plus strand): 5'-ATCATGATGTTTAAATATTTTTTAAGGATAGTATGTGAAATAAATGTCCTTTAAAAATTA[T>C]AAATACAACTTGATTTTTGTAAACTTTTAATTAATATGACTTGTGATTATTTATTTTGAT-3'

ClinVar aggregate classification (germline): Benign (1 of 4 stars; one submission).

Allele frequency attached by ClinVar (database versions not stated): TOPMed 0.13049; 1000 Genomes Project 0.15415; 1000 Genomes Project 30x 0.15584; gnomAD 0.11994 and 0.12146.
gnomAD v4.1: 18,140 of 152,286 alleles (12%); highest among the groups gnomAD compares: African/African-American, 26%; 1,699 homozygotes.

Submission:

GeneDx
Classification: Benign. Last evaluated: 2018-06-14. Review status: criteria provided, single submitter. Criteria: GeneDx Variant Classification (06012015). Collection method: clinical testing. Allele origin: germline. Affected: yes.
Comment: This variant is considered likely benign or benign based on one or more of the following criteria: it is a conservative change, it occurs at a poorly conserved position in the protein, it is predicted to be benign by multiple in silico algorithms, and/or has population frequency not consistent with disease.